The following is an entry in ClinVar:

ClinVar aggregate classification (germline): Likely benign. Review status: criteria provided, single submitter (1 of 4 stars). 2 submissions from 2 submitters: Likely benign (1). 1 of the submissions does not count toward it. Last evaluated 2025-06-02.

Conditions:
LRP2-related disorder. Also called: LRP2-related condition.

gnomAD v4.1: 9 of 1,614,198 alleles (0.00056%); highest among the groups gnomAD compares: Non-Finnish European, 0.00076%; no homozygotes.

Submissions (2):

Labcorp Genetics (formerly Invitae), Labcorp
Classification: Likely benign. Last evaluated: 2025-06-02. Review status: criteria provided, single submitter. Criteria: Invitae Variant Classification Sherloc (09022015). Collection method: clinical testing. Allele origin: germline.

PreventionGenetics, part of Exact Sciences
Classification: Likely benign for LRP2-related condition. Last evaluated: 2020-02-19. Review status: no assertion criteria provided. Collection method: clinical testing. Allele origin: germline. Not counted in ClinVar's aggregate classification.
Comment: This variant is classified as likely benign based on ACMG/AMP sequence variant interpretation guidelines (Richards et al. 2015 PMID: 25741868, with internal and published modifications).

NM_004525.3(LRP2):c.9738A>G (p.Thr3246=)

Gene: LRP2 (LDL receptor related protein 2; minus strand). Cytogenetic location: 2q31.1.
Variant type: single nucleotide variant.
Coding change: c.9738A>G on transcript NM_004525.3 (MANE Select); coding-DNA position 9738, A replaced by G.
Protein change: p.Thr3246=; no amino-acid change (threonine 3246 retained).
Molecular consequence: synonymous variant.
Genome position (GRCh38, 1-based): chr2:169,185,610, T>C on the plus strand (A>G on the coding strand, the complement: LRP2 is on the minus strand). VCF-style: chr2-169185610-T-C. GRCh37 (hg19) VCF-style: chr2-170042120-T-C.
Identifiers: ClinVar variation 745394 (VCV000745394.9), dbSNP rs1574108633, ClinGen allele CA429932758.
Genomic context (GRCh38, chr2:169,185,610, plus strand): 5'-GTTTATGATTGTCTCCTTGTTTGTCTTATTCAGAAACATTCTCTCAATGACTTGCCTCTG[T>C]GTATCAATCCAATACAATCTCTTCTCTACTCGGTCAAAATCTAATGCCACAACATTGTCC-3'
Protein context (NP_004516.2, residues 3236-3256): RVEKRLYWID[Thr3246=]QRQVIERMFL